The following is an entry in ClinVar:

NM_014324.6(AMACR):c.106C>T (p.Arg36Trp)

Genes: AMACR (alpha-methylacyl-CoA racemase; minus strand), C1QTNF3-AMACR (C1QTNF3-AMACR readthrough (NMD candidate); minus strand). Cytogenetic location: 5p13.2.
Variant type: single nucleotide variant.
Coding change: c.106C>T on transcript NM_014324.6 (MANE Select); coding-DNA position 106, C replaced by T.
Protein change: p.Arg36Trp; replaces arginine 36 with tryptophan.
Molecular consequence: missense variant.
Genome position (GRCh38, 1-based): chr5:34,007,914, G>A on the plus strand (C>T on the coding strand, the complement: AMACR is on the minus strand). VCF-style: chr5-34007914-G-A. GRCh37 (hg19) VCF-style: chr5-34008019-G-A.
Other names: c.106C>T, p.Arg36Trp (NM_001167595.2, NM_203382.3); c.106C>T (NM_014324.5); short protein forms R36W.
Identifiers: ClinVar variation 1502162 (VCV001502162.7), dbSNP rs769044213, ClinGen allele CA3226295.

ClinVar aggregate classification (germline): Uncertain significance. Review status: criteria provided, multiple submitters, no conflicts (2 of 4 stars). 2 submissions from 2 submitters: Uncertain significance (2). Last evaluated 2024-06-11.

Conditions:
Inborn genetic diseases. Identifiers: MedGen C0950123, MeSH D030342.
Alpha-methylacyl-CoA racemase deficiency (AMACRD). Also called: AMACR deficiency. Identifiers: Orphanet 79095, MedGen C3280428, MONDO:0013681, OMIM 614307. Disease mechanism: loss of function.

Allele frequency attached by ClinVar (database versions not stated): gnomAD exomes below 0.00001 and 0.00002; gnomAD 0.00001 and 0.00002; TOPMed 0.00003; ExAC 0.00004.

Submissions (2):

Ambry Genetics
Classification: Uncertain significance for Inborn genetic diseases. Last evaluated: 2024-06-11. Review status: criteria provided, single submitter. Criteria: Ambry Variant Classification Scheme 2023. Collection method: clinical testing. Allele origin: germline.

Labcorp Genetics (formerly Invitae), Labcorp
Classification: Uncertain significance for Alpha-methylacyl-CoA racemase deficiency. Last evaluated: 2022-03-12. Review status: criteria provided, single submitter. Criteria: Invitae Variant Classification Sherloc (09022015). Collection method: clinical testing. Allele origin: germline.
Comment: This sequence change replaces arginine, which is basic and polar, with tryptophan, which is neutral and slightly polar, at codon 36 of the AMACR protein (p.Arg36Trp). In summary, the available evidence is currently insufficient to determine the role of this variant in disease. Therefore, it has been classified as a Variant of Uncertain Significance. Algorithms developed to predict the effect of missense changes on protein structure and function (SIFT, PolyPhen-2, Align-GVGD) all suggest that this variant is likely to be disruptive. This variant has not been reported in the literature in individuals affected with AMACR-related conditions. This variant is present in population databases (rs769044213, gnomAD 0.03%).